The following is an entry in ClinVar:

ClinVar aggregate classification (germline): Likely benign (1 of 4 stars; one submission).

Allele frequency attached by ClinVar (database versions not stated): 1000 Genomes Project 0.00300; ExAC 0.00866.

Submission:

CeGaT Center for Human Genetics Tuebingen
Classification: Likely benign. Last evaluated: 2023-11-01. Review status: criteria provided, single submitter. Criteria: CeGaT Center For Human Genetics Tuebingen Variant Classification Criteria Version 2. Collection method: clinical testing. Allele origin: germline. Affected: yes. Observed: 1 variant allele.
Comment: MUC4: BP4, BS2

NM_018406.7(MUC4):c.9935C>A (p.Pro3312His)

Gene: MUC4 (mucin 4, cell surface associated). Cytogenetic location: 3q29.
Variant type: single nucleotide variant.
Coding change: c.9935C>A on transcript NM_018406.7 (MANE Select); coding-DNA position 9935, C replaced by A.
Protein change: p.Pro3312His; replaces proline 3312 with histidine.
Molecular consequence: missense variant. On other transcripts: genic upstream transcript variant (2).
Genome position (GRCh38, 1-based): chr3:195,781,645, G>T on the plus strand (C>A on the coding strand, the complement: MUC4 is on the minus strand). VCF-style: chr3-195781645-G-T. GRCh37 (hg19) VCF-style: chr3-195508516-G-T.
Other names: c.83-7340C>A (NM_138297.5); c.83-3190C>A (NM_004532.6); short protein forms P3312H.
Identifiers: ClinVar variation 2672975 (VCV002672975.23), dbSNP rs62282476, ClinGen allele CA2770637.
Genomic context (GRCh38, chr3:195,781,645, plus strand): 5'-GTGACATGAAGAGGGGTGGCGTGACCTGTGGATGCTGAGGAAGCGTCGGTGACAAGAAGA[G>T]GAGTGGCGTGACCTGTGGATACTGAGGAAGTCTCGGTGACAAGAAGAGGGGTGGTGTCAC-3'
Protein context (NP_060876.5, residues 3302-3322): TSSVSTGHAT[Pro3312His]LLVTDASSAS